The following is an entry in ClinVar:

ClinVar aggregate classification (germline): Uncertain significance (1 of 4 stars; one submission).

Submission:

Ambry Genetics
Classification: Uncertain significance. Last evaluated: 2024-04-16. Review status: criteria provided, single submitter. Criteria: Ambry Variant Classification Scheme 2023. Collection method: clinical testing. Allele origin: germline.
Comment: The p.C312G variant (also known as c.934T>G), located in coding exon 1 of the MLH3 gene, results from a T to G substitution at nucleotide position 934. The cysteine at codon 312 is replaced by glycine, an amino acid with highly dissimilar properties. This amino acid position is conserved. In addition, this alteration is predicted to be deleterious by in silico analysis. Based on the available evidence, the clinical significance of this variant remains unclear.

NM_001040108.2(MLH3):c.934T>G (p.Cys312Gly)

Gene: MLH3 (mutL homolog 3; minus strand). Cytogenetic location: 14q24.3.
Variant type: single nucleotide variant.
Coding change: c.934T>G on transcript NM_001040108.2 (MANE Select); coding-DNA position 934, T replaced by G.
Protein change: p.Cys312Gly; replaces cysteine 312 with glycine.
Molecular consequence: missense variant.
Genome position (GRCh38, 1-based): chr14:75,048,722, A>C on the plus strand (T>G on the coding strand, the complement: MLH3 is on the minus strand). VCF-style: chr14-75048722-A-C. GRCh37 (hg19) VCF-style: chr14-75515425-A-C.
Other names: c.934T>G, p.Cys312Gly (NM_014381.3); short protein forms C312G.
Identifiers: ClinVar variation 3295076 (VCV003295076.1).